The following is an entry in ClinVar:

NM_001282531.3(ADNP):c.2782G>C (p.Asp928His)

Gene: ADNP (activity dependent neuroprotector homeobox; minus strand). Cytogenetic location: 20q13.13.
Variant type: single nucleotide variant.
Coding change: c.2782G>C on transcript NM_001282531.3 (MANE Select); coding-DNA position 2782, G replaced by C.
Protein change: p.Asp928His; replaces aspartic acid 928 with histidine.
Molecular consequence: missense variant.
Genome position (GRCh38, 1-based): chr20:50,891,932, C>G on the plus strand (G>C on the coding strand, the complement: ADNP is on the minus strand). VCF-style: chr20-50891932-C-G. GRCh37 (hg19) VCF-style: chr20-49508469-C-G.
Other names: c.2782G>C, p.Asp928His (NM_001282532.2, NM_001347511.2, NM_015339.5 and 1 more transcripts); short protein forms D928H.
Identifiers: ClinVar variation 589370 (VCV000589370.23), dbSNP rs76458950, ClinGen allele CA9908522.

ClinVar aggregate classification (germline): Benign/Likely benign. Review status: criteria provided, multiple submitters, no conflicts (2 of 4 stars). 6 submissions from 6 submitters: Benign (2); Likely benign (4). Last evaluated 2025-12-20.

Conditions:
ADNP-related multiple congenital anomalies - intellectual disability - autism spectrum disorder. Also called: Helsmoortel-Van der Aa Syndrome; ADNP-Related Helsmoortel-Van der Aa Syndrome. Identifiers: Orphanet 404448, MedGen C4014538, MONDO:0014379, OMIM 615873. Disease mechanism: loss of function.
Inborn genetic diseases. Identifiers: MedGen C0950123, MeSH D030342.

Allele frequency attached by ClinVar (database versions not stated): gnomAD 0.00014 and 0.00020; TOPMed 0.00034; ExAC 0.00035; gnomAD exomes 0.00043; 1000 Genomes Project 0.00100; 1000 Genomes Project 30x 0.00125.
gnomAD v4.1: 264 of 1,614,176 alleles (0.016%); highest among the groups gnomAD compares: East Asian, 0.38%; 3 homozygotes.

Submissions (6):

Labcorp Genetics (formerly Invitae), Labcorp
Classification: Likely benign. Last evaluated: 2025-12-20. Review status: criteria provided, single submitter. Criteria: Invitae Variant Classification Sherloc (09022015). Collection method: clinical testing. Allele origin: germline.

CeGaT Center for Human Genetics Tuebingen
Classification: Likely benign. Last evaluated: 2025-11-01. Review status: criteria provided, single submitter. Criteria: CeGaT Center For Human Genetics Tuebingen Variant Classification Criteria Version 2. Collection method: clinical testing. Allele origin: germline. Affected: yes. Observed: 1 variant allele.
Comment: ADNP: BP4

Blueprint Genetics
Classification: Likely benign. Last evaluated: 2023-11-14. Review status: criteria provided, single submitter. Criteria: ACMG Guidelines, 2015. Collection method: clinical testing. Allele origin: germline.

Genome-Nilou Lab
Classification: Benign for ADNP-related multiple congenital anomalies - intellectual disability - autism spectrum disorder. Last evaluated: 2021-12-05. Review status: criteria provided, single submitter. Criteria: ACMG Guidelines, 2015. Collection method: clinical testing. Allele origin: germline. Affected: no.

GeneDx
Classification: Benign. Last evaluated: 2021-04-09. Review status: criteria provided, single submitter. Criteria: GeneDx Variant Classification Process June 2021. Collection method: clinical testing. Allele origin: germline. Affected: yes.

Ambry Genetics
Classification: Likely benign for Inborn genetic diseases. Last evaluated: 2016-08-31. Review status: criteria provided, single submitter. Criteria: Ambry Variant Classification Scheme 2023. Collection method: clinical testing. Allele origin: germline.